The following is an entry in ClinVar:

NM_001385026.1(PEAK1):c.3924T>C (p.Leu1308=)

Gene: PEAK1 (pseudopodium enriched atypical kinase 1; minus strand). Cytogenetic location: 15q24.3.
Variant type: single nucleotide variant.
Coding change: c.3924T>C on transcript NM_001385026.1 (MANE Select); coding-DNA position 3924, T replaced by C.
Protein change: p.Leu1308=; no amino-acid change (leucine 1308 retained).
Molecular consequence: synonymous variant.
Genome position (GRCh38, 1-based): chr15:77,133,158, A>G on the plus strand (T>C on the coding strand, the complement: PEAK1 is on the minus strand). VCF-style: chr15-77133158-A-G. GRCh37 (hg19) VCF-style: chr15-77425500-A-G.
Other names: c.3924T>C, p.Leu1308= (NM_001387085.1, NM_001387086.1, NM_024776.5).
Identifiers: ClinVar variation 3039075 (VCV003039075.2), dbSNP rs184477474, ClinGen allele CA7676684.

ClinVar aggregate classification (germline): Likely benign (0 of 4 stars; one submission).

Conditions:
PEAK1-related disorder. Also called: PEAK1-related condition.

Allele frequency attached by ClinVar (database versions not stated): 1000 Genomes Project 30x 0.00031; 1000 Genomes Project 0.00040; gnomAD 0.00113; TOPMed 0.00125; ExAC 0.00127; ESP Exome Variant Server 0.00133; gnomAD exomes 0.00173.
gnomAD v4.1: 2,691 of 1,614,192 alleles (0.17%); highest among the groups gnomAD compares: Admixed American, 0.2%; no homozygotes.

Submission:

PreventionGenetics, part of Exact Sciences
Classification: Likely benign for PEAK1-related condition. Last evaluated: 2019-12-03. Review status: no assertion criteria provided. Collection method: clinical testing. Allele origin: germline.
Comment: This variant is classified as likely benign based on ACMG/AMP sequence variant interpretation guidelines (Richards et al. 2015 PMID: 25741868, with internal and published modifications).